The following is an entry in ClinVar:

NM_001005242.3(PKP2):c.277G>T (p.Val93Phe)

Gene: PKP2 (plakophilin 2; minus strand). Cytogenetic location: 12p11.21.
Variant type: single nucleotide variant.
Coding change: c.277G>T on transcript NM_001005242.3 (MANE Select); coding-DNA position 277, G replaced by T.
Protein change: p.Val93Phe; replaces valine 93 with phenylalanine.
Molecular consequence: missense variant.
Genome position (GRCh38, 1-based): chr12:32,878,979, C>A on the plus strand (G>T on the coding strand, the complement: PKP2 is on the minus strand). VCF-style: chr12-32878979-C-A. GRCh37 (hg19) VCF-style: chr12-33031913-C-A.
Other names: c.277G>T, p.Val93Phe (NM_004572.4); short protein forms V93F.
Identifiers: ClinVar variation 451283 (VCV000451283.2), dbSNP rs1201468352, ClinGen allele CA384366577.

ClinVar aggregate classification (germline): Uncertain significance (1 of 4 stars; one submission).

Submission:

GeneDx
Classification: Uncertain significance. Last evaluated: 2017-08-15. Review status: criteria provided, single submitter. Criteria: GeneDx Variant Classification (06012015). Collection method: clinical testing. Allele origin: germline. Affected: yes.
Comment: A variant of uncertain significance has been identified in the PKP2 gene. The V93F variant has not been published as pathogenic or been reported as benign to our knowledge. This variant is also not observed in large population cohorts (Lek et al., 2016; 1000 Genomes Consortium et al., 2015; Exome Variant Server). The V93F variant is a semi-conservative amino acid substitution, which may impact secondary protein structure as these residues differ in some properties. Additionally, this substitution occurs at a position where only amino acids with similar properties to valine (V) are tolerated across species. Nevertheless, in silico analysis is inconsistent in its predictions as to whether or not the variant is damaging to the protein structure/function.